The following is an entry in ClinVar:

NM_003737.4(DCHS1):c.1226A>G (p.Glu409Gly)

Gene: DCHS1 (dachsous cadherin-related 1; minus strand). Cytogenetic location: 11p15.4.
Variant type: single nucleotide variant.
Coding change: c.1226A>G on transcript NM_003737.4 (MANE Select); coding-DNA position 1226, A replaced by G.
Protein change: p.Glu409Gly; replaces glutamic acid 409 with glycine.
Molecular consequence: missense variant.
Genome position (GRCh38, 1-based): chr11:6,640,388, T>C on the plus strand (A>G on the coding strand, the complement: DCHS1 is on the minus strand). VCF-style: chr11-6640388-T-C. GRCh37 (hg19) VCF-style: chr11-6661619-T-C.
Other names: short protein forms E409G.
Identifiers: ClinVar variation 3700868 (VCV003700868.2).

ClinVar aggregate classification (germline): Uncertain significance (1 of 4 stars; one submission).

gnomAD v4.1: 4 of 1,613,768 alleles (0.00025%); highest among the groups gnomAD compares: Non-Finnish European, 0.00034%; no homozygotes.

Submission:

Labcorp Genetics (formerly Invitae), Labcorp
Classification: Uncertain significance. Last evaluated: 2024-08-20. Review status: criteria provided, single submitter. Criteria: Invitae Variant Classification Sherloc (09022015). Collection method: clinical testing. Allele origin: germline.
Comment: This sequence change replaces glutamic acid, which is acidic and polar, with glycine, which is neutral and non-polar, at codon 409 of the DCHS1 protein (p.Glu409Gly). This variant is not present in population databases (gnomAD no frequency). This variant has not been reported in the literature in individuals affected with DCHS1-related conditions. Invitae Evidence Modeling of protein sequence and biophysical properties (such as structural, functional, and spatial information, amino acid conservation, physicochemical variation, residue mobility, and thermodynamic stability) indicates that this missense variant is not expected to disrupt DCHS1 protein function with a negative predictive value of 80%. In summary, the available evidence is currently insufficient to determine the role of this variant in disease. Therefore, it has been classified as a Variant of Uncertain Significance.